The following is an entry in ClinVar:

ClinVar aggregate classification (germline): Uncertain significance (1 of 4 stars; one submission).

Submission:

Labcorp Genetics (formerly Invitae), Labcorp
Classification: Uncertain significance. Last evaluated: 2021-09-14. Review status: criteria provided, single submitter. Criteria: Invitae Variant Classification Sherloc (09022015). Collection method: clinical testing. Allele origin: germline.
Comment: In summary, the available evidence is currently insufficient to determine the role of this variant in disease. Therefore, it has been classified as a Variant of Uncertain Significance. Algorithms developed to predict the effect of missense changes on protein structure and function (SIFT, PolyPhen-2, Align-GVGD) all suggest that this variant is likely to be tolerated. This sequence change replaces serine with isoleucine at codon 236 of the GNPTG protein (p.Ser236Ile). The serine residue is weakly conserved and there is a large physicochemical difference between serine and isoleucine. This variant is not present in population databases (ExAC no frequency). This variant has not been reported in the literature in individuals affected with GNPTG-related conditions.

NM_032520.5(GNPTG):c.707G>T (p.Ser236Ile)

Gene: GNPTG (N-acetylglucosamine-1-phosphate transferase subunit gamma; plus strand). Cytogenetic location: 16p13.3.
Variant type: single nucleotide variant.
Coding change: c.707G>T on transcript NM_032520.5 (MANE Select); coding-DNA position 707, G replaced by T.
Protein change: p.Ser236Ile; replaces serine 236 with isoleucine.
Molecular consequence: missense variant.
Genome position (GRCh38, 1-based): chr16:1,362,708, G>T. VCF-style: chr16-1362708-G-T. GRCh37 (hg19) VCF-style: chr16-1412709-G-T.
Other names: short protein forms S236I.
Identifiers: ClinVar variation 1463069 (VCV001463069.6), dbSNP rs1201859457, ClinGen allele CA394188577.